The following is an entry in ClinVar:

ClinVar aggregate classification (germline): Benign/Likely benign. Review status: criteria provided, multiple submitters, no conflicts (2 of 4 stars). 5 submissions from 5 submitters: Benign (3); Likely benign (2). Last evaluated 2021-12-05.

Conditions:
Telangiectasia, hereditary hemorrhagic, type 2 (HHT2). Also called: ACVRL1-Related Hereditary Hemorrhagic Telangiectasia; Telangiectasia, hereditary hemorrhagic, type II. Identifiers: Orphanet 774, MedGen C1838163, MONDO:0010880, OMIM 600376. Disease mechanism: loss of function.

Allele frequency attached by ClinVar (database versions not stated): 1000 Genomes Project 0.00978; 1000 Genomes Project 30x 0.01109; TOPMed 0.01655; gnomAD 0.01817 and 0.01849.
gnomAD v4.1: 12,705 of 1,262,970 alleles (1%); highest among the groups gnomAD compares: South Asian, 2.1%; 219 homozygotes.

Submissions (5):

Genome-Nilou Lab
Classification: Benign for Telangiectasia, hereditary hemorrhagic, type 2. Last evaluated: 2021-12-05. Review status: criteria provided, single submitter. Criteria: ACMG Guidelines, 2015. Collection method: clinical testing. Allele origin: germline. Affected: no.

ARUP Laboratories, Molecular Genetics and Genomics, ARUP Laboratories
Classification: Benign for Telangiectasia, hereditary hemorrhagic, type 2. Last evaluated: 2019-10-17. Review status: criteria provided, single submitter. Criteria: ARUP Molecular Germline Variant Investigation Process. Collection method: clinical testing. Allele origin: germline.

GeneDx
Classification: Likely benign. Last evaluated: 2018-06-16. Review status: criteria provided, single submitter. Criteria: GeneDx Variant Classification Process June 2021. Collection method: clinical testing. Allele origin: germline. Affected: yes.

Illumina Laboratory Services, Illumina
Classification: Benign for Telangiectasia, hereditary hemorrhagic, type 2. Last evaluated: 2018-01-13. Review status: criteria provided, single submitter. Criteria: ICSL Variant Classification Criteria 13 December 2019. Collection method: clinical testing. Allele origin: germline.
Comment: This variant was observed in the ICSL laboratory as part of a predisposition screen in an ostensibly healthy population. It had not been previously curated by ICSL or reported in the Human Gene Mutation Database (HGMD: prior to June 1st, 2018), and was therefore a candidate for classification through an automated scoring system. Utilizing variant allele frequency, disease prevalence and penetrance estimates, and inheritance mode, an automated score was calculated to assess if this variant is too frequent to cause the disease. Based on the score and internal cut-off values, a variant classified as benign is not then subjected to further curation. The score for this variant resulted in a classification of benign for this disease.

Breakthrough Genomics
Classification: Likely benign. Review status: criteria provided, single submitter. Criteria: ACMG Guidelines, 2015. Collection method: not provided. Allele origin: germline. Inheritance: Autosomal dominant inheritance. Affected: yes.

NM_000020.3(ACVRL1):c.*58G>A

Gene: ACVRL1 (activin A receptor like type 1; plus strand). Cytogenetic location: 12q13.13.
Variant type: single nucleotide variant.
Coding change: c.*58G>A on transcript NM_000020.3 (MANE Select); 58 bases downstream of the stop codon, G replaced by A.
Molecular consequence: 3 prime UTR variant.
Genome position (GRCh38, 1-based): chr12:51,920,951, G>A. VCF-style: chr12-51920951-G-A. GRCh37 (hg19) VCF-style: chr12-52314735-G-A.
Other names: c.*58G>A (NM_001077401.2).
Identifiers: ClinVar variation 309445 (VCV000309445.18), dbSNP rs182368657, ClinGen allele CA10641805.